The following is an entry in ClinVar:

NM_024529.5(CDC73):c.386A>G (p.Asp129Gly)

Gene: CDC73 (cell division cycle 73; plus strand). Cytogenetic location: 1q31.2.
Variant type: single nucleotide variant.
Coding change: c.386A>G on transcript NM_024529.5 (MANE Select); coding-DNA position 386, A replaced by G.
Protein change: p.Asp129Gly; replaces aspartic acid 129 with glycine.
Molecular consequence: missense variant.
Genome position (GRCh38, 1-based): chr1:193,135,552, A>G. VCF-style: chr1-193135552-A-G. GRCh37 (hg19) VCF-style: chr1-193104682-A-G.
Other names: short protein forms D129G.
Identifiers: ClinVar variation 971296 (VCV000971296.11), dbSNP rs1675777865, ClinGen allele CA343960646.

ClinVar aggregate classification (germline): Uncertain significance. Review status: criteria provided, multiple submitters, no conflicts (2 of 4 stars). 2 submissions from 2 submitters: Uncertain significance (2). Last evaluated 2024-10-13.

Conditions:
Hereditary cancer-predisposing syndrome. Also called: Neoplastic Syndromes, Hereditary; Hereditary Cancer Syndrome; Tumor predisposition; Hereditary neoplastic syndrome. Identifiers: Orphanet 140162, MedGen C0027672, MeSH D009386, MONDO:0015356.
Parathyroid carcinoma (PRTC). Also called: Parathyroid gland carcinoma; CDC73-Related Parathyroid Carcinoma. Identifiers: Orphanet 143, MedGen C0687150, MONDO:0012004, OMIM 608266, HP:0006780.

Submissions (2):

Ambry Genetics
Classification: Uncertain significance for Hereditary cancer-predisposing syndrome. Last evaluated: 2024-10-13. Review status: criteria provided, single submitter. Criteria: Ambry Variant Classification Scheme 2023. Collection method: clinical testing. Allele origin: germline.
Comment: The p.D129G variant (also known as c.386A>G), located in coding exon 5 of the CDC73 gene, results from an A to G substitution at nucleotide position 386. The aspartic acid at codon 129 is replaced by glycine, an amino acid with similar properties. This amino acid position is conserved. In addition, the in silico prediction for this alteration is inconclusive. Based on the available evidence, the clinical significance of this variant remains unclear.

Labcorp Genetics (formerly Invitae), Labcorp
Classification: Uncertain significance for Parathyroid carcinoma. Last evaluated: 2023-02-22. Review status: criteria provided, single submitter. Criteria: Invitae Variant Classification Sherloc (09022015). Collection method: clinical testing. Allele origin: germline.
Comment: This sequence change replaces aspartic acid, which is acidic and polar, with glycine, which is neutral and non-polar, at codon 129 of the CDC73 protein (p.Asp129Gly). This variant is not present in population databases (gnomAD no frequency). This variant has not been reported in the literature in individuals affected with CDC73-related conditions. ClinVar contains an entry for this variant (Variation ID: 971296). Advanced modeling of protein sequence and biophysical properties (such as structural, functional, and spatial information, amino acid conservation, physicochemical variation, residue mobility, and thermodynamic stability) performed at Invitae indicates that this missense variant is not expected to disrupt CDC73 protein function. In summary, the available evidence is currently insufficient to determine the role of this variant in disease. Therefore, it has been classified as a Variant of Uncertain Significance.